The following continues an entry in ClinVar:

NM_007294.4(BRCA1):c.131G>T (p.Cys44Phe)

Gene: BRCA1. ClinVar aggregate classification (germline): Pathogenic. Pathogenic (1).

Submissions 19 to 28 of 28:

Consortium of Investigators of Modifiers of BRCA1/2 (CIMBA), c/o University of Cambridge
Classification: Pathogenic for Breast-ovarian cancer, familial, susceptibility to, 1. Last evaluated: 2015-10-02. Review status: criteria provided, single submitter. Criteria: CIMBA Mutation Classification guidelines May 2016. Collection method: clinical testing. Allele origin: germline. Not counted in ClinVar's aggregate classification.

Clinical Genetics and Genomics, Karolinska University Hospital
Classification: Pathogenic. Last evaluated: 2014-11-18. Review status: criteria provided, single submitter. Criteria: ACMG Guidelines, 2015. Collection method: clinical testing. Allele origin: germline. Affected: yes. Observed: 1 variant allele. Not counted in ClinVar's aggregate classification.

KCCC/NGS Laboratory, Kuwait Cancer Control Center
Classification: Pathogenic for Breast-ovarian cancer, familial, susceptibility to, 1. Last evaluated: 2023-05-05. Review status: no assertion criteria provided. Collection method: clinical testing. Allele origin: germline. Affected: yes. Not counted in ClinVar's aggregate classification.
Comment: A known pathogenic variant was detected in the BRCA1 gene in this specimen. This sequence change replaces cysteine with phenylalanine at codon 44 of the BRCA1 protein (p.Cys44Phe). The cysteine residue is highly conserved and there is a large physicochemical difference between cysteine and phenylalanine. This variant is not found in gnomAD exomes. This variant has been reported in individuals affected with breast and or ovarian cancer (PMID: 23633455, 18159056, 25777348, 16267036). This variant is also known as 250G>T in the literature. ClinVar contains an entry for this variant (Variation ID: 54200) and classifies this variant as Pathogenic, rated 3 stars, reviewed by expert panel. Experimental studies have shown that this missense change disrupts several BRCA1 protein functions, including single-strand annealing and homology directed repair, regulation of centrosome duplication, BARD1 binding and ubiquitin ligase activity (PMID: 20103620, 16403807, 23161852, 21725363, 27272900). Therefore, this variant has been classified as pathogenic.

BRCAlab, Lund University
Classification: Pathogenic for Breast-ovarian cancer, familial, susceptibility to, 1. Last evaluated: 2022-08-26. Review status: no assertion criteria provided. Collection method: clinical testing. Allele origin: germline. Affected: yes. Not counted in ClinVar's aggregate classification.

Counsyl
Classification: Pathogenic for Breast-ovarian cancer, familial, susceptibility to, 1. Last evaluated: 2017-02-01. Review status: no assertion criteria provided. Collection method: clinical testing. Allele origin: unknown. Not counted in ClinVar's aggregate classification.

Research Molecular Genetics Laboratory, Women's College Hospital, University of Toronto
Classification: Likely pathogenic for Hereditary breast ovarian cancer syndrome. Last evaluated: 2015-12-17. Review status: no assertion criteria provided. Collection method: research. Allele origin: germline. Affected: yes. Study: The Canadian Open Genetics Repository (COGR). Not counted in ClinVar's aggregate classification.

Sharing Clinical Reports Project (SCRP)
Classification: Pathogenic for Breast-ovarian cancer, familial 1. Last evaluated: 2012-08-07. Review status: no assertion criteria provided. Collection method: clinical testing. Allele origin: germline. Not counted in ClinVar's aggregate classification.

Foulkes Cancer Genetics LDI, Lady Davis Institute for Medical Research
Classification: Pathogenic for Breast and/or ovarian cancer. Last evaluated: 2011-11-10. Review status: no assertion criteria provided. Collection method: clinical testing. Allele origin: germline. Study: The Canadian Open Genetics Repository (COGR). Not counted in ClinVar's aggregate classification.

Breast Cancer Information Core (BIC) (BRCA1)
Classification: Uncertain significance for Breast-ovarian cancer, familial 1. Last evaluated: 2004-02-20. Review status: no assertion criteria provided. Collection method: clinical testing. Allele origin: germline, unknown. Affected: yes. Observed: 12 variant alleles. Not counted in ClinVar's aggregate classification.

Brotman Baty Institute, University of Washington
No classification provided (evidence only). Condition: Breast-ovarian cancer, familial 1. Review status: no classification provided. Collection method: in vitro. Allele origin: not applicable. Functional consequence: functionally_abnormal. Not counted in ClinVar's aggregate classification.
ClinVar note: "not provided" was previously submitted as the classification for the variant. However, the classification appeared to be based only on an observation of functional data so it was converted to no classification on 2025-07-30.

Literature cited by the submitters: PubMed 31131967 (cited by 5 submitters); PubMed 16267036 (cited by 4 submitters); PubMed 18159056 (cited by 5 submitters); PubMed 23633455 (cited by Labcorp Genetics (formerly Invitae), Labcorp and Counsyl); PubMed 25777348 (cited by 5 submitters); PubMed 30209399 (cited by 5 submitters); PubMed 12732733 (cited by 3 submitters); PubMed 16403807 (cited by 4 submitters); PubMed 20103620 (cited by 6 submitters); PubMed 21725363 (cited by 5 submitters); PubMed 22843421 (cited by Labcorp Genetics (formerly Invitae), Labcorp); PubMed 23161852 (cited by 5 submitters); PubMed 27272900 (cited by 4 submitters); PubMed 19543972 (cited by Labcorp Genetics (formerly Invitae), Labcorp); PubMed 21922593 (cited by Labcorp Genetics (formerly Invitae), Labcorp); PubMed 25823446 (cited by 4 submitters); PubMed 27083775 (cited by Labcorp Genetics (formerly Invitae), Labcorp); PubMed 11573085 (cited by 3 submitters); PubMed 12048272 (cited by 3 submitters); PubMed 16912212 (cited by 4 submitters); PubMed 19241424 (cited by 3 submitters); PubMed 22711857 (cited by Color Diagnostics, LLC DBA Color Health and All of Us Research Program, National Institutes of Health); PubMed 22713736 (cited by 6 submitters); PubMed 28486781 (cited by 4 submitters); PubMed 31853058 (cited by Color Diagnostics, LLC DBA Color Health); PubMed 28414925 (cited by 3 submitters); PubMed 27062684 (cited by Quest Diagnostics Nichols Institute San Juan Capistrano and Counsyl); PubMed 37563628 (cited by Quest Diagnostics Nichols Institute San Juan Capistrano); PubMed 29446198 (cited by Quest Diagnostics Nichols Institute San Juan Capistrano); PubMed 30350268 (cited by Quest Diagnostics Nichols Institute San Juan Capistrano); PubMed 15235020 (cited by 3 submitters); PubMed 19208665 (cited by Quest Diagnostics Nichols Institute San Juan Capistrano); PubMed 31209999 (cited by Dasa); PubMed 31144781 (cited by Dasa); PubMed 20104584 (cited by KCCC/NGS Laboratory, Kuwait Cancer Control Center); PubMed 24489791 (cited by Counsyl); PubMed 21702907 (cited by Counsyl); PubMed 25085752 (cited by Counsyl).